The following is an entry in ClinVar:

NM_019109.5(ALG1):c.225T>A (p.Asp75Glu)

Gene: ALG1 (ALG1 chitobiosyldiphosphodolichol beta-mannosyltransferase; plus strand). Cytogenetic location: 16p13.3.
Variant type: single nucleotide variant.
Coding change: c.225T>A on transcript NM_019109.5 (MANE Select); coding-DNA position 225, T replaced by A.
Protein change: p.Asp75Glu; replaces aspartic acid 75 with glutamic acid.
Molecular consequence: missense variant. On other transcripts: 5 prime UTR variant (1).
Genome position (GRCh38, 1-based): chr16:5,072,967, T>A. VCF-style: chr16-5072967-T-A. GRCh37 (hg19) VCF-style: chr16-5122968-T-A.
Other names: c.-109T>A (NM_001330504.2); short protein forms D75E.
Identifiers: ClinVar variation 1488362 (VCV001488362.6), dbSNP rs1205327334, ClinGen allele CA394679035.
Genomic context (GRCh38, chr16:5,072,967, plus strand): 5'-ATTGCTGCTTCTGGTACATTAAAGGGATCATTCTCATTTTTCAGACTCCAAACCCCATGA[T>A]GAGCTCTTGCAGAACAACAGAATTCAGATTGTGGGGTTGACAGAACTTCAGAGTCTTGCA-3'
Protein context (NP_061982.3, residues 65-85): LLGFCNSKPH[Asp75Glu]ELLQNNRIQI

ClinVar aggregate classification (germline): Uncertain significance (1 of 4 stars; one submission).

Conditions:
ALG1-congenital disorder of glycosylation. Also called: CONGENITAL DISORDER OF GLYCOSYLATION, TYPE Ik; CDG Ik; ALG1-CDG. Identifiers: Orphanet 79327, MedGen C2931005, MONDO:0012052, OMIM 608540.

gnomAD v4.1: 4 of 1,614,060 alleles (0.00025%); highest among the groups gnomAD compares: Non-Finnish European, 0.00034%; no homozygotes.

Submission:

Labcorp Genetics (formerly Invitae), Labcorp
Classification: Uncertain significance for ALG1-congenital disorder of glycosylation. Last evaluated: 2021-09-29. Review status: criteria provided, single submitter. Criteria: Invitae Variant Classification Sherloc (09022015). Collection method: clinical testing. Allele origin: germline.
Comment: In summary, the available evidence is currently insufficient to determine the role of this variant in disease. Therefore, it has been classified as a Variant of Uncertain Significance. Advanced modeling of protein sequence and biophysical properties (such as structural, functional, and spatial information, amino acid conservation, physicochemical variation, residue mobility, and thermodynamic stability) performed at Invitae indicates that this missense variant is not expected to disrupt ALG1 protein function. This variant has not been reported in the literature in individuals affected with ALG1-related conditions. This variant is not present in population databases (ExAC no frequency). This sequence change replaces aspartic acid with glutamic acid at codon 75 of the ALG1 protein (p.Asp75Glu). The aspartic acid residue is weakly conserved and there is a small physicochemical difference between aspartic acid and glutamic acid.